The following is an entry in ClinVar:

NM_182972.3(IRF2BP2):c.126C>G (p.Asn42Lys)

Gene: IRF2BP2 (interferon regulatory factor 2 binding protein 2; minus strand). Cytogenetic location: 1q42.3.
Variant type: single nucleotide variant.
Coding change: c.126C>G on transcript NM_182972.3 (MANE Select); coding-DNA position 126, C replaced by G.
Protein change: p.Asn42Lys; replaces asparagine 42 with lysine.
Molecular consequence: missense variant.
Genome position (GRCh38, 1-based): chr1:234,609,369, G>C on the plus strand (C>G on the coding strand, the complement: IRF2BP2 is on the minus strand). VCF-style: chr1-234609369-G-C. GRCh37 (hg19) VCF-style: chr1-234745115-G-C.
Other names: c.126C>G, p.Asn42Lys (NM_001077397.1); short protein forms N42K.
Identifiers: ClinVar variation 4713529 (VCV004713529.1).
Genomic context (GRCh38, chr1:234,609,369, plus strand): 5'-CGCCCGCTTGAGCTGCCGCGCCGTCTCGATGACGAACTCGACGCGGTCGGCGCCCTCGTA[G>C]TTGACGCAGCCGCGGCAGACGGGTTCGGTGAAGTCCCAGATCATGGCCCAGGGCATGCGG-3'
Protein context (NP_892017.2, residues 32-52): FTEPVCRGCV[Asn42Lys]YEGADRVEFV

ClinVar aggregate classification (germline): Uncertain significance (1 of 4 stars; one submission).

Submission:

Labcorp Genetics (formerly Invitae), Labcorp
Classification: Uncertain significance. Last evaluated: 2025-02-27. Review status: criteria provided, single submitter. Criteria: Invitae Variant Classification Sherloc (09022015). Collection method: clinical testing. Allele origin: germline.
Comment: This sequence change replaces asparagine, which is neutral and polar, with lysine, which is basic and polar, at codon 42 of the IRF2BP2 protein (p.Asn42Lys). This variant is not present in population databases (gnomAD no frequency). This variant has not been reported in the literature in individuals affected with IRF2BP2-related conditions. An algorithm developed to predict the effect of missense changes on protein structure and function (PolyPhen-2) suggests that this variant is likely to be disruptive. In summary, the available evidence is currently insufficient to determine the role of this variant in disease. Therefore, it has been classified as a Variant of Uncertain Significance.